The following is an entry in ClinVar:

ClinVar aggregate classification (germline): Conflicting classifications of pathogenicity. Review status: criteria provided, conflicting classifications (1 of 4 stars). 3 submissions from 3 submitters: Uncertain significance (2); Likely benign (1). Last evaluated 2025-07-27.

Conditions:
Hereditary cancer-predisposing syndrome. Also called: Neoplastic Syndromes, Hereditary; Hereditary Cancer Syndrome; Hereditary neoplastic syndrome; Tumor predisposition. Identifiers: Orphanet 140162, MedGen C0027672, MeSH D009386, MONDO:0015356.
Hereditary nonpolyposis colorectal neoplasms. Identifiers: MedGen C0009405, MeSH D003123.

Allele frequency attached by ClinVar (database versions not stated): gnomAD exomes below 0.00001; TOPMed below 0.00001.
gnomAD v4.1: 1 of 1,614,104 alleles (0.000062%); highest among the groups gnomAD compares: Non-Finnish European, 0.000085%; no homozygotes.

Submissions (3):

Labcorp Genetics (formerly Invitae), Labcorp
Classification: Uncertain significance for Hereditary nonpolyposis colorectal neoplasms. Last evaluated: 2025-07-27. Review status: criteria provided, single submitter. Criteria: Invitae Variant Classification Sherloc (09022015). Collection method: clinical testing. Allele origin: germline.
Comment: This sequence change replaces alanine, which is neutral and non-polar, with threonine, which is neutral and polar, at codon 521 of the PMS2 protein (p.Ala521Thr). This variant is not present in population databases (gnomAD no frequency). This variant has not been reported in the literature in individuals affected with PMS2-related conditions. ClinVar contains an entry for this variant (Variation ID: 576653). Invitae Evidence Modeling incorporating data from in vitro experimental studies (internal data) indicates that this missense variant is not expected to disrupt PMS2 function with a negative predictive value of 95%. In summary, the available evidence is currently insufficient to determine the role of this variant in disease. Therefore, it has been classified as a Variant of Uncertain Significance.

Dasa
Classification: Uncertain significance. Last evaluated: 2025-06-11. Review status: criteria provided, single submitter. Criteria: DASA Assertion Criteria. Collection method: clinical testing. Allele origin: germline.
Comment: NM_000535.7(PMS2):c.1561G>A (p.Ala521Thr) is a missense variant that results in the substitution of alanine with threonine. This variant is rare in population databases. Computational prediction algorithms are consistent with a benign effect. The currently available literature and clinical evidence are not sufficient to establish a definitive association between this variant and the reported condition. Therefore, this variant is classified as a variant of uncertain significance.

Ambry Genetics
Classification: Likely benign for Hereditary cancer-predisposing syndrome. Last evaluated: 2024-01-05. Review status: criteria provided, single submitter. Criteria: Ambry Variant Classification Scheme 2023. Collection method: clinical testing. Allele origin: germline.

NM_000535.7(PMS2):c.1561G>A (p.Ala521Thr)

Gene: PMS2 (PMS1 homolog 2, mismatch repair system component; minus strand). Cytogenetic location: 7p22.1.
Variant type: single nucleotide variant.
Coding change: c.1561G>A on transcript NM_000535.7 (MANE Select); coding-DNA position 1561, G replaced by A.
Protein change: p.Ala521Thr; replaces alanine 521 with threonine.
Molecular consequence: missense variant. On other transcripts: non-coding transcript variant (1).
Genome position (GRCh38, 1-based): chr7:5,987,204, C>T on the plus strand (G>A on the coding strand, the complement: PMS2 is on the minus strand). VCF-style: chr7-5987204-C-T. GRCh37 (hg19) VCF-style: chr7-6026835-C-T.
Other names: c.1156G>A, p.Ala386Thr (NM_001322003.2, NM_001322004.2, NM_001322005.2 and 1 more transcripts); c.1405G>A, p.Ala469Thr (NM_001322006.2); c.1243G>A, p.Ala415Thr (NM_001322007.2, NM_001322008.2); c.1000G>A, p.Ala334Thr (NM_001322010.2); c.628G>A, p.Ala210Thr (NM_001322011.2, NM_001322012.2); c.988G>A, p.Ala330Thr (NM_001322013.2); c.1561G>A, p.Ala521Thr (NM_001322014.2); c.1252G>A, p.Ala418Thr (NM_001322015.2); short protein forms A521T, A330T, A210T, A334T, A415T, A469T, A386T, A418T.
Identifiers: ClinVar variation 576653 (VCV000576653.14), dbSNP rs1164227556, ClinGen allele CA366741586.